The following is an entry in ClinVar:

NM_003628.6(PKP4):c.202A>G (p.Arg68Gly)

Gene: PKP4 (plakophilin 4; plus strand). Cytogenetic location: 2q24.1.
Variant type: single nucleotide variant.
Coding change: c.202A>G on transcript NM_003628.6 (MANE Select); coding-DNA position 202, A replaced by G.
Protein change: p.Arg68Gly; replaces arginine 68 with glycine.
Molecular consequence: missense variant. On other transcripts: 5 prime UTR variant (1).
Genome position (GRCh38, 1-based): chr2:158,577,340, A>G. VCF-style: chr2-158577340-A-G. GRCh37 (hg19) VCF-style: chr2-159433852-A-G.
Other names: c.202A>G, p.Arg68Gly (NM_001005476.4, NM_001304969.3, NM_001304971.2 and 9 more transcripts); c.-748A>G (NM_001304970.3); short protein forms R68G.
Identifiers: ClinVar variation 1784721 (VCV001784721.2), dbSNP rs763618650, ClinGen allele CA1920310.
Genomic context (GRCh38, chr2:158,577,340, plus strand): 5'-TTTCAGCGACTCACCCGAGAACTGGAAGTGGAAAGGCAGATTGTTGCCAGTCAGCTAGAA[A>G]GATGTAGGCTTGGAGCAGAATCACCAAGCATCGCCAGCACCAGGTACAGGGCCAATGGCT-3'
Protein context (NP_003619.2, residues 58-78): ERQIVASQLE[Arg68Gly]CRLGAESPSI

ClinVar aggregate classification (germline): Uncertain significance (1 of 4 stars; one submission).

Allele frequency attached by ClinVar (database versions not stated): gnomAD exomes below 0.00001; ExAC 0.00001.
gnomAD v4.1: 2 of 1,613,708 alleles (0.00012%); highest among the groups gnomAD compares: Non-Finnish European, 0.00017%; no homozygotes.

Submission:

Ambry Genetics
Classification: Uncertain significance. Last evaluated: 2022-10-27. Review status: criteria provided, single submitter. Criteria: Ambry Variant Classification Scheme 2023. Collection method: clinical testing. Allele origin: germline.
Comment: The p.R68G variant (also known as c.202A>G), located in coding exon 2 of the PKP4 gene, results from an A to G substitution at nucleotide position 202. The arginine at codon 68 is replaced by glycine, an amino acid with dissimilar properties. This amino acid position is conserved. In addition, this alteration is predicted to be deleterious by in silico analysis. Since supporting evidence is limited at this time, the clinical significance of this alteration remains unclear.